The following is an entry in ClinVar:

NM_001363540.2(DOCK4):c.3112G>A (p.Gly1038Ser)

Genes: DOCK4 (dedicator of cytokinesis 4; minus strand), DOCK4-AS1 (DOCK4 antisense RNA 1; plus strand). Cytogenetic location: 7q31.1.
Variant type: single nucleotide variant.
Coding change: c.3112G>A on transcript NM_001363540.2 (MANE Select); coding-DNA position 3112, G replaced by A.
Protein change: p.Gly1038Ser; replaces glycine 1038 with serine.
Molecular consequence: missense variant.
Genome position (GRCh38, 1-based): chr7:111,808,875, C>T on the plus strand (G>A on the coding strand, the complement: DOCK4 is on the minus strand). VCF-style: chr7-111808875-C-T. GRCh37 (hg19) VCF-style: chr7-111448931-C-T.
Other names: c.3112G>A, p.Gly1038Ser (NM_014705.4); short protein forms G1038S.
Identifiers: ClinVar variation 3030775 (VCV003030775.2), dbSNP rs2536768793, ClinGen allele CA368961465.

ClinVar aggregate classification (germline): Uncertain significance (0 of 4 stars; one submission).

Conditions:
DOCK4-related disorder. Also called: DOCK4-related condition.

Allele frequency attached by ClinVar (database versions not stated): gnomAD exomes below 0.00001.
gnomAD v4.1: 1 of 1,612,940 alleles (0.000062%); highest among the groups gnomAD compares: African/African-American, 0.0013%; no homozygotes.

Submission:

PreventionGenetics, part of Exact Sciences
Classification: Uncertain significance for DOCK4-related condition. Last evaluated: 2023-12-12. Review status: no assertion criteria provided. Collection method: clinical testing. Allele origin: germline.
Comment: The DOCK4 c.3112G>A variant is predicted to result in the amino acid substitution p.Gly1038Ser. To our knowledge, this variant has not been reported in the literature or in a large population database, indicating this variant is rare. At this time, the clinical significance of this variant is uncertain due to the absence of conclusive functional and genetic evidence.